The following is an entry in ClinVar:

NM_004360.5(CDH1):c.373C>A (p.Pro125Thr)

Gene: CDH1 (cadherin 1; plus strand). Cytogenetic location: 16q22.1.
Variant type: single nucleotide variant.
Coding change: c.373C>A on transcript NM_004360.5 (MANE Select); coding-DNA position 373, C replaced by A.
Protein change: p.Pro125Thr; replaces proline 125 with threonine.
Molecular consequence: missense variant. On other transcripts: 5 prime UTR variant (2).
Genome position (GRCh38, 1-based): chr16:68,801,879, C>A. VCF-style: chr16-68801879-C-A. GRCh37 (hg19) VCF-style: chr16-68835782-C-A.
Other names: c.373C>A, p.Pro125Thr (NM_001317184.2); c.-1243C>A (NM_001317185.2); c.-1447C>A (NM_001317186.2); short protein forms P125T.
Identifiers: ClinVar variation 2122487 (VCV002122487.4), dbSNP rs730881662, ClinGen allele CA396457480.
Genomic context (GRCh38, chr16:68,801,879, plus strand): 5'-TCCACCTACAGAAAGTTTTCCACCAAAGTCACGCTGAATACAGTGGGGCACCACCACCGC[C>A]CCCCGCCCCATCAGGTATGTTGGCATTTTTCTGAGAAGTTCGCTGTTGTTTTAGTGCGCT-3'
Protein context (NP_004351.1, residues 115-135): TLNTVGHHHR[Pro125Thr]PPHQASVSGI

ClinVar aggregate classification (germline): Uncertain significance (1 of 4 stars; one submission).

Conditions:
Hereditary diffuse gastric adenocarcinoma (HDGC). Also called: DIFFUSE GASTRIC AND LOBULAR BREAST CANCER SYNDROME. Identifiers: Orphanet 26106, MedGen C1708349, MONDO:0007648, OMIM 137215.

Submission:

Labcorp Genetics (formerly Invitae), Labcorp
Classification: Uncertain significance for Hereditary diffuse gastric adenocarcinoma. Last evaluated: 2024-07-25. Review status: criteria provided, single submitter. Criteria: Invitae Variant Classification Sherloc (09022015). Collection method: clinical testing. Allele origin: germline.
Comment: This sequence change replaces proline, which is neutral and non-polar, with threonine, which is neutral and polar, at codon 125 of the CDH1 protein (p.Pro125Thr). This variant is not present in population databases (gnomAD no frequency). This variant has not been reported in the literature in individuals affected with CDH1-related conditions. ClinVar contains an entry for this variant (Variation ID: 2122487). An algorithm developed to predict the effect of missense changes on protein structure and function outputs the following: PolyPhen-2: "Benign". The threonine amino acid residue is found in multiple mammalian species, which suggests that this missense change does not adversely affect protein function. In summary, the available evidence is currently insufficient to determine the role of this variant in disease. Therefore, it has been classified as a Variant of Uncertain Significance.